The following is an entry in ClinVar:

NM_014334.4(FRRS1L):c.774G>C (p.Lys258Asn)

Gene: FRRS1L (ferric chelate reductase 1 like; minus strand). Cytogenetic location: 9q31.3.
Variant type: single nucleotide variant.
Coding change: c.774G>C on transcript NM_014334.4 (MANE Select); coding-DNA position 774, G replaced by C.
Protein change: p.Lys258Asn; replaces lysine 258 with asparagine.
Molecular consequence: missense variant.
Genome position (GRCh38, 1-based): chr9:109,137,563, C>G on the plus strand (G>C on the coding strand, the complement: FRRS1L is on the minus strand). VCF-style: chr9-109137563-C-G. GRCh37 (hg19) VCF-style: chr9-111899843-C-G.
Other names: short protein forms K258N.
Identifiers: ClinVar variation 575240 (VCV000575240.7), dbSNP rs1564227702, ClinGen allele CA374423145.

ClinVar aggregate classification (germline): Uncertain significance (1 of 4 stars; one submission).

Conditions:
Developmental and epileptic encephalopathy, 37 (DEE37). Also called: Epileptic encephalopathy, early infantile, 37. Identifiers: MedGen C4310770, MONDO:0014859, OMIM 616981.

gnomAD v4.1: 1 of 1,612,784 alleles (0.000062%); no homozygotes.

Submission:

Labcorp Genetics (formerly Invitae), Labcorp
Classification: Uncertain significance for Developmental and epileptic encephalopathy, 37. Last evaluated: 2025-05-05. Review status: criteria provided, single submitter. Criteria: Invitae Variant Classification Sherloc (09022015). Collection method: clinical testing. Allele origin: germline.
Comment: This sequence change replaces lysine, which is basic and polar, with asparagine, which is neutral and polar, at codon 309 of the FRRS1L protein (p.Lys309Asn). This variant is not present in population databases (gnomAD no frequency). This variant has not been reported in the literature in individuals affected with FRRS1L-related conditions. ClinVar contains an entry for this variant (Variation ID: 575240). An algorithm developed to predict the effect of missense changes on protein structure and function (PolyPhen-2) suggests that this variant is likely to be tolerated. In summary, the available evidence is currently insufficient to determine the role of this variant in disease. Therefore, it has been classified as a Variant of Uncertain Significance.